The following is an entry in ClinVar:

NM_001111125.3(IQSEC2):c.248C>T (p.Pro83Leu)

Gene: IQSEC2 (IQ motif and Sec7 domain ArfGEF 2; minus strand). Cytogenetic location: Xp11.22.
Variant type: single nucleotide variant.
Coding change: c.248C>T on transcript NM_001111125.3 (MANE Select); coding-DNA position 248, C replaced by T.
Protein change: p.Pro83Leu; replaces proline 83 with leucine.
Molecular consequence: missense variant.
Genome position (GRCh38, 1-based): chrX:53,320,876, G>A on the plus strand (C>T on the coding strand, the complement: IQSEC2 is on the minus strand). VCF-style: chrX-53320876-G-A. GRCh37 (hg19) VCF-style: chrX-53350074-G-A.
Other names: short protein forms P83L.
Identifiers: ClinVar variation 373183 (VCV000373183.9), dbSNP rs1057518272, ClinGen allele CA16043281.
Genomic context (GRCh38, chrX:53,320,876, plus strand): 5'-CGCAGCTCGCGGTGGTGGAACTGGGTCTCGCGCAGGTTCTGGTACTGGCTCTCGCGGCCC[G>A]GGCTATCCCGCGCGCCGTGGGGGTCCCGGTGCAGCTCCCCGCGGTGCAGCTGGCTCTCCT-3'
Protein context (NP_001104595.1, residues 73-93): HRDPHGARDS[Pro83Leu]GRESQYQNLR

ClinVar aggregate classification (germline): Conflicting classifications of pathogenicity. Review status: criteria provided, conflicting classifications (1 of 4 stars). 2 submissions from 2 submitters: Uncertain significance (1); Benign (1). Last evaluated 2024-12-12.

Conditions:
Intellectual developmental disorder, X-linked 1. Also called: Intellectual disability, X-linked 1; MENTAL RETARDATION, X-LINKED 18; MENTAL RETARDATION, X-LINKED 78; Atkin Flaitz Patil Smith syndrome. Identifiers: Orphanet 777, MedGen C2931498, MONDO:0010656, OMIM 309530.

Allele frequency attached by ClinVar (database versions not stated): gnomAD exomes below 0.00001 and 0.00001; TOPMed 0.00002; gnomAD 0.00003.

Submissions (2):

Labcorp Genetics (formerly Invitae), Labcorp
Classification: Benign for Intellectual developmental disorder, X-linked 1. Last evaluated: 2024-12-12. Review status: criteria provided, single submitter. Criteria: Invitae Variant Classification Sherloc (09022015). Collection method: clinical testing. Allele origin: germline.

GeneDx
Classification: Uncertain significance. Last evaluated: 2016-11-11. Review status: criteria provided, single submitter. Criteria: GeneDx Variant Classification (06012015). Collection method: clinical testing. Allele origin: germline. Affected: yes.
Comment: A variant of uncertain significance has been identified in the IQSEC2 gene. The P83L variant has not been published as a pathogenic variant, nor has it been reported as a benign variant to our knowledge. Although the P83L variant was not observed in approximately 2,200 individuals of European and African American ancestry in the NHLBI Exome Sequencing Project, the data was noted to have reduced depth of sequencing reads and therefore may be unreliable. The P83L variant is a semi-conservative amino acid substitution, which may impact secondary protein structure as these residues differ in some properties. This substitution occurs at a position that is conserved in mammals. However, in silico analysis is inconsistent in its predictions as to whether or not the variant is damaging to the protein structure/function. Therefore, based on the currently available information, it is unclear whether this variant is a pathogenic variant or a rare benign variant.